The following is an entry in ClinVar:

ClinVar aggregate classification (germline): Likely benign. Review status: criteria provided, multiple submitters, no conflicts (2 of 4 stars). 2 submissions from 2 submitters: Likely benign (2). Last evaluated 2020-02-10.

Conditions:
Cardiovascular phenotype. Identifiers: MedGen CN230736.

gnomAD v4.1: 17 of 1,602,362 alleles (0.0011%); highest among the groups gnomAD compares: Non-Finnish European, 0.0014%; no homozygotes.

Submissions (2):

Ambry Genetics
Classification: Likely benign for Cardiovascular phenotype. Last evaluated: 2020-02-10. Review status: criteria provided, single submitter. Criteria: Ambry Variant Classification Scheme 2023. Collection method: clinical testing. Allele origin: germline.

GeneDx
Classification: Likely benign. Last evaluated: 2017-11-17. Review status: criteria provided, single submitter. Criteria: GeneDx Variant Classification (06012015). Collection method: clinical testing. Allele origin: germline. Affected: yes.
Comment: This variant is considered likely benign or benign based on one or more of the following criteria: it is a conservative change, it occurs at a poorly conserved position in the protein, it is predicted to be benign by multiple in silico algorithms, and/or has population frequency not consistent with disease.

NM_020433.5(JPH2):c.1161C>A (p.Ala387=)

Gene: JPH2 (junctophilin 2; minus strand). Cytogenetic location: 20q13.12.
Variant type: single nucleotide variant.
Coding change: c.1161C>A on transcript NM_020433.5 (MANE Select); coding-DNA position 1161, C replaced by A.
Protein change: p.Ala387=; no amino-acid change (alanine 387 retained).
Molecular consequence: synonymous variant.
Genome position (GRCh38, 1-based): chr20:44,159,626, G>T on the plus strand (C>A on the coding strand, the complement: JPH2 is on the minus strand). VCF-style: chr20-44159626-G-T. GRCh37 (hg19) VCF-style: chr20-42788266-G-T.
Identifiers: ClinVar variation 513267 (VCV000513267.3), dbSNP rs368697672, ClinGen allele CA9868731.